The following is an entry in ClinVar:

NM_000038.6(APC):c.4700C>G (p.Ser1567Ter)

Gene: APC (APC regulator of Wnt signaling pathway; plus strand). Cytogenetic location: 5q22.2.
Variant type: single nucleotide variant.
Coding change: c.4700C>G on transcript NM_000038.6 (MANE Select); coding-DNA position 4700, C replaced by G.
Protein change: p.Ser1567Ter; replaces serine 1567 with a stop codon.
Molecular consequence: nonsense.
Genome position (GRCh38, 1-based): chr5:112,840,294, C>G. VCF-style: chr5-112840294-C-G. GRCh37 (hg19) VCF-style: chr5-112175991-C-G.
Other names: c.4700C>G, p.Ser1567Ter (NM_001127510.3, NM_001354895.2); c.4646C>G, p.Ser1549Ter (NM_001127511.3); c.4754C>G, p.Ser1585Ter (NM_001354896.2); c.4730C>G, p.Ser1577Ter (NM_001354897.2); c.4625C>G, p.Ser1542Ter (NM_001354898.2); c.4616C>G, p.Ser1539Ter (NM_001354899.2); c.4577C>G, p.Ser1526Ter (NM_001354900.2); c.4523C>G, p.Ser1508Ter (NM_001354901.2); and 5 more; short protein forms S1466*, S1508*, S1567*, S1577*, S1476*, S1526*, S1539*, S1549*.
Identifiers: ClinVar variation 960996 (VCV000960996.16), dbSNP rs1765745643, ClinGen allele CA16031638.

ClinVar aggregate classification (germline): Pathogenic. Review status: criteria provided, multiple submitters, no conflicts (2 of 4 stars). 3 submissions from 3 submitters: Pathogenic (3). Last evaluated 2024-12-28.
ClinVar aggregate classification (oncogenicity): Likely oncogenic (1 of 4 stars; one submission).

Conditions:
Hereditary cancer-predisposing syndrome. Also called: Neoplastic Syndromes, Hereditary; Tumor predisposition; Hereditary neoplastic syndrome; Hereditary Cancer Syndrome. Identifiers: Orphanet 140162, MedGen C0027672, MeSH D009386, MONDO:0015356.
Familial adenomatous polyposis 1 (FAP1). Also called: FAMILIAL ADENOMATOUS POLYPOSIS 1, ATTENUATED; POLYPOSIS, ADENOMATOUS INTESTINAL. Identifiers: MedGen C2713442, MONDO:0021056, OMIM 175100. Disease mechanism: loss of function.
APC-related disorder. Also called: APC-related condition.
Neoplasm. Also called: tumor; Neoplasms; Neoplasm (disease). Identifiers: MedGen C0027651, MeSH D009369, MONDO:0005070, HP:0002664.

Submissions (4):

Center for Genomic Medicine, Rigshospitalet, Copenhagen University Hospital
Classification: Likely oncogenic for Neoplasm. Last evaluated: 2025-03-04. Review status: criteria provided, single submitter. Criteria: ClinGen/CGC/VICC Guidelines for Oncogenicity, 2022. Collection method: clinical testing. Allele origin: somatic. Affected: yes.

Labcorp Genetics (formerly Invitae), Labcorp
Classification: Pathogenic for Familial adenomatous polyposis 1. Last evaluated: 2024-12-28. Review status: criteria provided, single submitter. Criteria: Invitae Variant Classification Sherloc (09022015). Collection method: clinical testing. Allele origin: germline.
Comment: This sequence change creates a premature translational stop signal (p.Ser1567*) in the APC gene. While this is not anticipated to result in nonsense mediated decay, it is expected to disrupt the last 1277 amino acid(s) of the APC protein. This variant is not present in population databases (gnomAD no frequency). This premature translational stop signal has been observed in individual(s) with familial adenomatous polyposis (PMID: 1316610, 20223039, 20685668). ClinVar contains an entry for this variant (Variation ID: 960996). This variant is expected to disrupt the EB1 and HDLG binding sites, which mediate interactions with the cytoskeleton (PMID: 15311282, 17293347). While functional studies have not been performed to directly test the effect on APC protein function, this suggests that disruption of the C-terminal portion of the protein is functionally important. A different truncation (p.Tyr2645Lysfs*14) that lies downstream of this variant has been determined to be pathogenic (PMID: 9824584, 1316610, 27081525, 8381579, 22135120, internal data). This suggests that deletion of this region of the APC protein is causative of disease. For these reasons, this variant has been classified as Pathogenic.

Ambry Genetics
Classification: Pathogenic for Hereditary cancer-predisposing syndrome. Last evaluated: 2024-12-23. Review status: criteria provided, single submitter. Criteria: Ambry Variant Classification Scheme 2023. Collection method: clinical testing. Allele origin: germline.
Comment: The p.S1567* pathogenic mutation (also known as c.4700C>G), located in coding exon 15 of the APC gene, results from a C to G substitution at nucleotide position 4700. This changes the amino acid from a serine to a stop codon within coding exon 15. This alteration occurs at the 3' terminus of theAPC gene, is not expected to trigger nonsense-mediated mRNA decay, and impacts the last 45% of the protein. However, premature stop codons are typically deleterious in nature and the impacted region is critical for protein function and a significant portion of the protein is affected (Ambry internal data). This mutation has been identified in multiple individuals with a clinical diagnosis of Familial Adenomatous Polyposis (FAP) (Miyoshi Y et al. Proc. Natl. Acad. Sci. U.S.A. 1992 May;89:4452-6; Friedl W et al. Hered Cancer Clin Pract. 2005 Sep;3:95-114; Lagarde A et al. J. Med. Genet. 2010 Oct;47:721-2). This variant is considered to be rare based on population cohorts in the Genome Aggregation Database (gnomAD). Based on the supporting evidence, this variant is interpreted as a disease-causing mutation.

Blueprint Genetics
Classification: Pathogenic for APC-related disorders. Last evaluated: 2021-03-03. Review status: criteria provided, single submitter. Criteria: ACMG Guidelines, 2015. Collection method: clinical testing. Allele origin: germline. Affected: yes. Observed: 1 variant allele.

Literature cited by the submitters: PubMed 1316610 (cited by Labcorp Genetics (formerly Invitae), Labcorp and Ambry Genetics); PubMed 20223039 (cited by Labcorp Genetics (formerly Invitae), Labcorp and Ambry Genetics); PubMed 20685668 (cited by Labcorp Genetics (formerly Invitae), Labcorp and Ambry Genetics); PubMed 15311282 (cited by Labcorp Genetics (formerly Invitae), Labcorp); PubMed 17293347 (cited by Labcorp Genetics (formerly Invitae), Labcorp); PubMed 9824584 (cited by Labcorp Genetics (formerly Invitae), Labcorp); PubMed 27081525 (cited by Labcorp Genetics (formerly Invitae), Labcorp); PubMed 8381579 (cited by Labcorp Genetics (formerly Invitae), Labcorp); PubMed 22135120 (cited by Labcorp Genetics (formerly Invitae), Labcorp).